The following is an entry in ClinVar:

NM_004415.4(DSP):c.5322G>C (p.Gln1774His)

Gene: DSP (desmoplakin; plus strand). Cytogenetic location: 6p24.3.
Variant type: single nucleotide variant.
Coding change: c.5322G>C on transcript NM_004415.4 (MANE Select); coding-DNA position 5322, G replaced by C.
Protein change: p.Gln1774His; replaces glutamine 1774 with histidine.
Molecular consequence: missense variant. On other transcripts: intron variant (2).
Genome position (GRCh38, 1-based): chr6:7,581,512, G>C. VCF-style: chr6-7581512-G-C. GRCh37 (hg19) VCF-style: chr6-7581745-G-C.
Other names: c.4051-1130G>C (NM_001319034.2); c.3583-1130G>C (NM_001008844.3); short protein forms Q1774H.
Identifiers: ClinVar variation 1931873 (VCV001931873.6), dbSNP rs1216319639, ClinGen allele CA362688340.

ClinVar aggregate classification (germline): Uncertain significance. Review status: criteria provided, multiple submitters, no conflicts (2 of 4 stars). 2 submissions from 2 submitters: Uncertain significance (2). Last evaluated 2024-05-30.

Conditions:
Arrhythmogenic cardiomyopathy with wooly hair and keratoderma. Also called: Dilated cardiomyopathy with woolly hair and keratoderma; Carvajal syndrome; Arrhythmogenic cardiomyopathy with woolly hair and keratoderma; PALMOPLANTAR KERATODERMA WITH LEFT VENTRICULAR CARDIOMYOPATHY AND WOOLLY HAIR. Identifiers: Orphanet 65282, MedGen C1854063, MONDO:0011581, OMIM 605676.
Arrhythmogenic right ventricular dysplasia 8 (ARVD8). Also called: ARRHYTHMOGENIC RIGHT VENTRICULAR DYSPLASIA, FAMILIAL, 8; ARRHYTHMOGENIC RIGHT VENTRICULAR CARDIOMYOPATHY 8; Arrhythmogenic Right Ventricular Dysplasia/Cardiomyopathy 8. Identifiers: MedGen C1843896, MONDO:0011831, OMIM 607450.

Allele frequency attached by ClinVar (database versions not stated): gnomAD 0.00001; TOPMed 0.00001.
gnomAD v4.1: 1 of 1,613,852 alleles (0.000062%); highest among the groups gnomAD compares: Non-Finnish European, 0.000085%; no homozygotes.

Submissions (2):

All of Us Research Program, National Institutes of Health
Classification: Uncertain significance for Arrhythmogenic cardiomyopathy with wooly hair and keratoderma. Last evaluated: 2024-05-30. Review status: criteria provided, single submitter. Criteria: ACMG Guidelines, 2015. Collection method: clinical testing. Allele origin: germline. Inheritance: Autosomal dominant inheritance. Observed: 1 variant allele, 1 heterozygote.
Comment: This missense variant replaces glutamine with histidine at codon 1774 of the DSP protein. Computational prediction suggests that this variant may not impact protein structure and function (internally defined REVEL score threshold <= 0.5, PMID: 27666373). To our knowledge, functional studies have not been reported for this variant. This variant has not been reported in individuals affected with DSP-related disorders in the literature. This variant has been identified in 1/31398 chromosomes in the general population by the Genome Aggregation Database (gnomAD). The available evidence is insufficient to determine the role of this variant in disease conclusively. Therefore, this variant is classified as a Variant of Uncertain Significance.

This study involves interpretation of variants in research participants for the purpose of population health screening. Participant phenotype was not available at the time of variant classification. Additional details can be found in publication PMID: 35346344, PMCID: PMC8962531

Labcorp Genetics (formerly Invitae), Labcorp
Classification: Uncertain significance for Arrhythmogenic cardiomyopathy with wooly hair and keratoderma; Arrhythmogenic right ventricular dysplasia 8. Last evaluated: 2022-07-15. Review status: criteria provided, single submitter. Criteria: Invitae Variant Classification Sherloc (09022015). Collection method: clinical testing. Allele origin: germline.
Comment: In summary, the available evidence is currently insufficient to determine the role of this variant in disease. Therefore, it has been classified as a Variant of Uncertain Significance. Algorithms developed to predict the effect of missense changes on protein structure and function (SIFT, PolyPhen-2, Align-GVGD) all suggest that this variant is likely to be tolerated. This sequence change replaces glutamine, which is neutral and polar, with histidine, which is basic and polar, at codon 1774 of the DSP protein (p.Gln1774His). This variant is present in population databases (no rsID available, gnomAD 0.007%). This variant has not been reported in the literature in individuals affected with DSP-related conditions.